The following is an entry in ClinVar:

NM_153676.4(USH1C):c.946G>C (p.Glu316Gln)

Gene: USH1C (USH1 protein network component harmonin; minus strand). Cytogenetic location: 11p15.1.
Variant type: single nucleotide variant.
Coding change: c.946G>C on transcript NM_153676.4 (MANE Select); coding-DNA position 946, G replaced by C.
Protein change: p.Glu316Gln; replaces glutamic acid 316 with glutamine.
Molecular consequence: missense variant. On other transcripts: non-coding transcript variant (1).
Genome position (GRCh38, 1-based): chr11:17,522,857, C>G on the plus strand (G>C on the coding strand, the complement: USH1C is on the minus strand). VCF-style: chr11-17522857-C-G. GRCh37 (hg19) VCF-style: chr11-17544404-C-G.
Other names: c.889G>C, p.Glu297Gln (NM_001297764.2); c.946G>C, p.Glu316Gln (NM_005709.4); short protein forms E316Q, E297Q.
Identifiers: ClinVar variation 178643 (VCV000178643.32), dbSNP rs35336155, ClinGen allele CA182721.

ClinVar aggregate classification (germline): Conflicting classifications of pathogenicity. Review status: criteria provided, conflicting classifications (1 of 4 stars). 10 submissions from 10 submitters: Uncertain significance (1); Benign (4); Likely benign (2). 3 of the submissions do not count toward it. Last evaluated 2026-02-01.

Conditions:
Usher syndrome type 1C. Also called: USHER SYNDROME, TYPE I, ACADIAN VARIETY. Identifiers: Orphanet 231169, Orphanet 886, MedGen C1848604, MONDO:0010171, OMIM 276904.

Allele frequency attached by ClinVar (database versions not stated): gnomAD exomes 0.00033 and 0.00088; ExAC 0.00116; ESP Exome Variant Server 0.00156; gnomAD 0.00344 and 0.00366; TOPMed 0.00390; 1000 Genomes Project 0.00599; 1000 Genomes Project 30x 0.00609.
gnomAD v4.1: 1,077 of 1,613,086 alleles (0.067%); highest among the groups gnomAD compares: African/African-American, 1.2%; 10 homozygotes.

Submissions (10):

Labcorp Genetics (formerly Invitae), Labcorp
Classification: Benign. Last evaluated: 2026-02-01. Review status: criteria provided, single submitter. Criteria: Invitae Variant Classification Sherloc (09022015). Collection method: clinical testing. Allele origin: germline.

Blueprint Genetics
Classification: Likely benign. Last evaluated: 2024-11-20. Review status: criteria provided, single submitter. Criteria: ACMG Guidelines, 2015. Collection method: clinical testing. Allele origin: germline.

ARUP Laboratories, Molecular Genetics and Genomics, ARUP Laboratories
Classification: Likely benign. Last evaluated: 2022-07-15. Review status: criteria provided, single submitter. Criteria: ARUP Molecular Germline Variant Investigation Process 2021. Collection method: clinical testing. Allele origin: germline.

GeneDx
Classification: Benign. Last evaluated: 2018-10-30. Review status: criteria provided, single submitter. Criteria: GeneDx Variant Classification Process June 2021. Collection method: clinical testing. Allele origin: germline. Affected: yes.

Illumina Laboratory Services, Illumina
Classification: Uncertain significance for Usher syndrome type 1C. Last evaluated: 2017-04-27. Review status: criteria provided, single submitter. Criteria: ICSL Variant Classification Criteria 13 December 2019. Collection method: clinical testing. Allele origin: germline.

Eurofins Ntd Llc (ga)
Classification: Benign. Last evaluated: 2015-03-06. Review status: criteria provided, single submitter. Criteria: EGL Classification Definitions 2015. Collection method: clinical testing. Allele origin: germline. Observed: 1 variant allele, 1 heterozygote.

Laboratory for Molecular Medicine, Mass General Brigham Personalized Medicine
Classification: Benign. Last evaluated: 2012-05-07. Review status: criteria provided, single submitter. Criteria: LMM Criteria. Collection method: clinical testing. Allele origin: germline. Observed: 6 variant alleles.
Comment: Glu316Gln in Exon 12 of USH1C: This variant is not expected to have clinical sig nificance because it has been identified in 0.5% (20/3702) of African American c hromosomes from a broad population by the NHLBI Exome Sequencing Project (dbSNP rs35336155).

Natera, Inc.
Classification: Benign for Usher syndrome type 1C. Last evaluated: 2019-12-05. Review status: no assertion criteria provided. Collection method: clinical testing. Allele origin: germline. Not counted in ClinVar's aggregate classification.

Clinical Genetics DNA and cytogenetics Diagnostics Lab, Erasmus MC, Erasmus Medical Center
Classification: Benign. Review status: no assertion criteria provided. Collection method: clinical testing. Allele origin: germline. Affected: yes. Study: VKGL Data-share Consensus. Not counted in ClinVar's aggregate classification.

Clinical Genetics, Academic Medical Center
Classification: Benign. Review status: no assertion criteria provided. Collection method: clinical testing. Allele origin: germline. Affected: yes. Study: VKGL Data-share Consensus. Not counted in ClinVar's aggregate classification.